The following is an entry in ClinVar:

ClinVar aggregate classification (germline): Conflicting classifications of pathogenicity. Review status: criteria provided, conflicting classifications (1 of 4 stars). 2 submissions from 2 submitters: Uncertain significance (1); Likely benign (1). Last evaluated 2025-02-19.

Allele frequency attached by ClinVar (database versions not stated): gnomAD 0.00004; ExAC 0.00008.
gnomAD v4.1: 56 of 1,610,324 alleles (0.0035%); highest among the groups gnomAD compares: East Asian, 0.0089%; no homozygotes.

Submissions (2):

Ambry Genetics
Classification: Uncertain significance. Last evaluated: 2025-02-19. Review status: criteria provided, single submitter. Criteria: Ambry Variant Classification Scheme 2023. Collection method: clinical testing. Allele origin: germline.

CeGaT Center for Human Genetics Tuebingen
Classification: Likely benign. Last evaluated: 2022-10-01. Review status: criteria provided, single submitter. Criteria: CeGaT Center For Human Genetics Tuebingen Variant Classification Criteria Version 2. Collection method: clinical testing. Allele origin: germline. Affected: yes. Observed: 1 variant allele.
Comment: TACC2: BP4

NM_206862.4(TACC2):c.5960C>T (p.Pro1987Leu)

Gene: TACC2 (transforming acidic coiled-coil containing protein 2; plus strand). Cytogenetic location: 10q26.13.
Variant type: single nucleotide variant.
Coding change: c.5960C>T on transcript NM_206862.4 (MANE Select); coding-DNA position 5960, C replaced by T.
Protein change: p.Pro1987Leu; replaces proline 1987 with leucine.
Molecular consequence: missense variant. On other transcripts: 5 prime UTR variant (1).
Genome position (GRCh38, 1-based): chr10:122,195,165, C>T. VCF-style: chr10-122195165-C-T. GRCh37 (hg19) VCF-style: chr10-123954680-C-T.
Other names: c.5825C>T, p.Pro1942Leu (NM_001291876.2); c.5972C>T, p.Pro1991Leu (NM_001291877.2); c.194C>T, p.Pro65Leu (NM_001291878.2, NM_006997.4, NM_206860.3); c.-1025C>T (NM_001291879.2); c.398C>T, p.Pro133Leu (NM_206861.3); short protein forms P133L, P65L, P1991L, P1987L, P1942L.
Identifiers: ClinVar variation 2379414 (VCV002379414.27), dbSNP rs532281287, ClinGen allele CA5723576.